The following is an entry in ClinVar:

NM_001942.4(DSG1):c.1483G>A (p.Glu495Lys)

Gene: DSG1 (desmoglein 1; plus strand). Cytogenetic location: 18q12.1.
Variant type: single nucleotide variant.
Coding change: c.1483G>A on transcript NM_001942.4 (MANE Select); coding-DNA position 1483, G replaced by A.
Protein change: p.Glu495Lys; replaces glutamic acid 495 with lysine.
Molecular consequence: missense variant.
Genome position (GRCh38, 1-based): chr18:31,339,821, G>A. VCF-style: chr18-31339821-G-A. GRCh37 (hg19) VCF-style: chr18-28919784-G-A.
Other names: short protein forms E495K.
Identifiers: ClinVar variation 1525759 (VCV001525759.8), dbSNP rs1162894883, ClinGen allele CA402137447.

ClinVar aggregate classification (germline): Uncertain significance (1 of 4 stars; one submission).

Allele frequency attached by ClinVar (database versions not stated): gnomAD exomes 0.00001; TOPMed 0.00002.
gnomAD v4.1: 10 of 1,613,582 alleles (0.00062%); highest among the groups gnomAD compares: Middle Eastern, 0.017%; no homozygotes.

Submission:

Labcorp Genetics (formerly Invitae), Labcorp
Classification: Uncertain significance. Last evaluated: 2023-11-18. Review status: criteria provided, single submitter. Criteria: Invitae Variant Classification Sherloc (09022015). Collection method: clinical testing. Allele origin: germline.
Comment: This sequence change replaces glutamic acid, which is acidic and polar, with lysine, which is basic and polar, at codon 495 of the DSG1 protein (p.Glu495Lys). This variant is present in population databases (no rsID available, gnomAD 0.003%). This variant has not been reported in the literature in individuals affected with DSG1-related conditions. ClinVar contains an entry for this variant (Variation ID: 1525759). Advanced modeling of protein sequence and biophysical properties (such as structural, functional, and spatial information, amino acid conservation, physicochemical variation, residue mobility, and thermodynamic stability) performed at Invitae indicates that this missense variant is not expected to disrupt DSG1 protein function with a negative predictive value of 80%. In summary, the available evidence is currently insufficient to determine the role of this variant in disease. Therefore, it has been classified as a Variant of Uncertain Significance.